The following is an entry in ClinVar:

NM_024685.4(BBS10):c.1747A>G (p.Met583Val)

Gene: BBS10 (Bardet-Biedl syndrome 10; minus strand). Cytogenetic location: 12q21.2.
Variant type: single nucleotide variant.
Coding change: c.1747A>G on transcript NM_024685.4 (MANE Select); coding-DNA position 1747, A replaced by G.
Protein change: p.Met583Val; replaces methionine 583 with valine.
Molecular consequence: missense variant.
Genome position (GRCh38, 1-based): chr12:76,346,238, T>C on the plus strand (A>G on the coding strand, the complement: BBS10 is on the minus strand). VCF-style: chr12-76346238-T-C. GRCh37 (hg19) VCF-style: chr12-76740018-T-C.
Other names: short protein forms M583V.
Identifiers: ClinVar variation 1399140 (VCV001399140.8), dbSNP rs2136089937, ClinGen allele CA385810180.

ClinVar aggregate classification (germline): Uncertain significance (1 of 4 stars; one submission).

Conditions:
Bardet-Biedl syndrome (BBS). Identifiers: Orphanet 110, MedGen C0752166, MONDO:0015229.

Submission:

Labcorp Genetics (formerly Invitae), Labcorp
Classification: Uncertain significance for Bardet-Biedl syndrome. Last evaluated: 2022-06-13. Review status: criteria provided, single submitter. Criteria: Invitae Variant Classification Sherloc (09022015). Collection method: clinical testing. Allele origin: germline.
Comment: This variant is not present in population databases (gnomAD no frequency). In summary, the available evidence is currently insufficient to determine the role of this variant in disease. Therefore, it has been classified as a Variant of Uncertain Significance. Algorithms developed to predict the effect of sequence changes on RNA splicing suggest that this variant may create or strengthen a splice site. Algorithms developed to predict the effect of missense changes on protein structure and function output the following: SIFT: "Tolerated"; PolyPhen-2: "Benign"; Align-GVGD: "Class C0". The valine amino acid residue is found in multiple mammalian species, which suggests that this missense change does not adversely affect protein function. This variant has not been reported in the literature in individuals affected with BBS10-related conditions. This sequence change replaces methionine, which is neutral and non-polar, with valine, which is neutral and non-polar, at codon 583 of the BBS10 protein (p.Met583Val).